The following is an entry in ClinVar:

ClinVar aggregate classification (germline): Uncertain significance. Review status: criteria provided, single submitter (1 of 4 stars). 4 submissions from 4 submitters: Uncertain significance (1). 3 of the submissions do not count toward it. Last evaluated 2025-09-23.

Conditions:
Dyskeratosis congenita, autosomal recessive 5 (DKCB5). Identifiers: MedGen C3554656, MONDO:0014076, OMIM 615190.
Pulmonary fibrosis and/or bone marrow failure, Telomere-related, 3. Also called: PULMONARY FIBROSIS AND/OR BONE MARROW FAILURE SYNDROME, TELOMERE-RELATED, 3. Identifiers: Orphanet 2032, MedGen C4225346, MONDO:0014613, OMIM 616373.
Pulmonary fibrosis. Identifiers: MedGen C0034069, MONDO:0002771, HP:0002206.

Allele frequency attached by ClinVar (database versions not stated): gnomAD 0.00001 and below 0.00001; gnomAD exomes below 0.00001.
gnomAD v4.1: 8 of 1,585,890 alleles (0.0005%); highest among the groups gnomAD compares: East Asian, 0.0023%; no homozygotes.

Submissions (4):

Labcorp Genetics (formerly Invitae), Labcorp
Classification: Uncertain significance for Dyskeratosis congenita, autosomal recessive 5; Pulmonary fibrosis and/or bone marrow failure, Telomere-related, 3. Last evaluated: 2025-09-23. Review status: criteria provided, single submitter. Criteria: Invitae Variant Classification Sherloc (09022015). Collection method: clinical testing. Allele origin: germline.
Comment: This sequence change replaces proline, which is neutral and non-polar, with leucine, which is neutral and non-polar, at codon 484 of the RTEL1 protein (p.Pro484Leu). This variant is present in population databases (rs786205700, gnomAD 0.006%). This missense change has been observed in individual(s) with pulmonary fibrosis (PMID: 25848748). It has also been observed to segregate with disease in related individuals. ClinVar contains an entry for this variant (Variation ID: 190473). An algorithm developed to predict the effect of missense changes on protein structure and function (PolyPhen-2) suggests that this variant is likely to be disruptive. In summary, the available evidence is currently insufficient to determine the role of this variant in disease. Therefore, it has been classified as a Variant of Uncertain Significance.

Garcia Pulmonary Genetics Research Laboratory, Columbia University Irving Medical Center
Classification: Likely risk allele for Pulmonary fibrosis. Last evaluated: 2022-06-09. Review status: no assertion criteria provided. Collection method: research. Allele origin: germline. Affected: yes. Not counted in ClinVar's aggregate classification.
Comment: Leukocyte telomere length (by qPCR) less than 10th percentile age-adjusted

Counsyl
Classification: Uncertain significance for Dyskeratosis congenita, autosomal recessive 5. Last evaluated: 2017-04-06. Review status: no assertion criteria provided. Collection method: clinical testing. Allele origin: unknown. Not counted in ClinVar's aggregate classification.

OMIM
Classification: Pathogenic for PULMONARY FIBROSIS AND/OR BONE MARROW FAILURE SYNDROME, TELOMERE-RELATED, 3. Last evaluated: 2015-05-01. Review status: no assertion criteria provided. Collection method: literature only. Allele origin: germline. Not counted in ClinVar's aggregate classification.

Literature cited by the submitters: PubMed 25848748 (cited by 3 submitters).

NM_001283009.2(RTEL1):c.1451C>T (p.Pro484Leu)

Genes: RTEL1 (regulator of telomere elongation helicase 1; plus strand), RTEL1-TNFRSF6B (RTEL1-TNFRSF6B readthrough (NMD candidate); plus strand). Cytogenetic location: 20q13.33.
Variant type: single nucleotide variant.
Coding change: c.1451C>T on transcript NM_001283009.2 (MANE Select); coding-DNA position 1451, C replaced by T.
Protein change: p.Pro484Leu; replaces proline 484 with leucine.
Molecular consequence: missense variant. On other transcripts: non-coding transcript variant (1).
Genome position (GRCh38, 1-based): chr20:63,687,740, C>T. VCF-style: chr20-63687740-C-T. GRCh37 (hg19) VCF-style: chr20-62319093-C-T.
Other names: p.Pro484Leu; c.782C>T, p.Pro261Leu (NM_001283010.1); c.1451C>T, p.Pro484Leu (NM_016434.4); c.1523C>T, p.Pro508Leu (NM_032957.5); short protein forms P484L, P508L, P261L.
Identifiers: ClinVar variation 190473 (VCV000190473.34), dbSNP rs786205700, ClinGen allele CA199727.